The following is an entry in ClinVar:

NM_005585.5(SMAD6):c.1440dup (p.Ile481fs)

Gene: SMAD6 (SMAD family member 6; plus strand). Cytogenetic location: 15q22.31.
Variant type: Duplication.
Coding change: c.1440dup on transcript NM_005585.5 (MANE Select); coding-DNA position 1440, one base duplicated (C; older notation c.1440dupC).
Protein change: p.Ile481fs; shifts the reading frame from isoleucine 481.
Molecular consequence: frameshift variant. On other transcripts: non-coding transcript variant (1).
Genome position (GRCh38, 1-based): chr15:66,781,484, C duplicated. VCF-style (leftmost placement, unchanged base first): chr15-66781483-T-TC. GRCh37 (hg19) VCF-style: chr15-67073821-T-TC.
Other names: short protein forms I481fs.
Identifiers: ClinVar variation 3062250 (VCV003062250.1), dbSNP rs2541900116, ClinGen allele CA2740096727.

ClinVar aggregate classification (germline): Likely pathogenic (1 of 4 stars; one submission).

Conditions:
Aortic valve disease 2 (AOVD2). Identifiers: MedGen C3542024, MONDO:0013902, OMIM 614823.

Submission:

Molecular Genetics Department, Kulakov National Medical Research Center for Obstetrics, Gynecology and Perinatology
Classification: Likely pathogenic for Aortic valve disease 2. Review status: criteria provided, single submitter. Criteria: ACMG Guidelines, 2015. Collection method: clinical testing. Allele origin: germline. Affected: yes.
Comment: A previously undescribed nucleotide variant creates a frameshift p.Ile481HisfsTer84 in the SMAD6 gene. Loss-of-function variants are reported in patients with Aortic valve disease 2, 614823. The variant is not present in population database (gnomAD no frequency). In summary, the currently available evidence indicates that the variant is pathogenic, but additional data are needed to prove that conclusively. Therefore, this variant has been classified as likely pathogenic.